The following is an entry in ClinVar:

ClinVar aggregate classification (germline): Uncertain significance (1 of 4 stars; one submission).

Conditions:
Cardiovascular phenotype. Identifiers: MedGen CN230736.

Submission:

Ambry Genetics
Classification: Uncertain significance for Cardiovascular phenotype. Last evaluated: 2018-12-29. Review status: criteria provided, single submitter. Criteria: Ambry Variant Classification Scheme 2023. Collection method: clinical testing. Allele origin: germline.
Comment: The p.W1458* variant (also known as c.4373G>A), located in coding exon 29 of the MYH6 gene, results from a G to A substitution at nucleotide position 4373. This changes the amino acid from a tryptophan to a stop codon within coding exon 29. This alteration is expected to result in loss of function by premature protein truncation or nonsense-mediated mRNA decay. However, loss of function of MYH6 has not been clearly established as a mechanism of disease. Since supporting evidence is limited at this time, the clinical significance of this alteration remains unclear.

NM_002471.4(MYH6):c.4373G>A (p.Trp1458Ter)

Gene: MYH6 (myosin heavy chain 6; minus strand). Cytogenetic location: 14q11.2.
Variant type: single nucleotide variant.
Coding change: c.4373G>A on transcript NM_002471.4 (MANE Select); coding-DNA position 4373, G replaced by A.
Protein change: p.Trp1458Ter; replaces tryptophan 1458 with a stop codon.
Molecular consequence: nonsense.
Genome position (GRCh38, 1-based): chr14:23,387,910, C>T on the plus strand (G>A on the coding strand, the complement: MYH6 is on the minus strand). VCF-style: chr14-23387910-C-T. GRCh37 (hg19) VCF-style: chr14-23857119-C-T.
Other names: short protein forms W1458*.
Identifiers: ClinVar variation 1740106 (VCV001740106.2), dbSNP rs2502148615, ClinGen allele CA388998071.